The following is an entry in ClinVar:

ClinVar aggregate classification (germline): Uncertain significance (1 of 4 stars; one submission).

Conditions:
Neurodevelopmental disorder with coarse facies and mild distal skeletal abnormalities. Also called: STOLERMAN NEURODEVELOPMENTAL SYNDROME. Identifiers: MedGen C5193134, MONDO:0032790, OMIM 618505.

gnomAD v4.1: 13 of 1,612,848 alleles (0.00081%); highest among the groups gnomAD compares: East Asian, 0.02%; no homozygotes.

Submission:

OLLIN Analises Genomicas, OLLIN
Classification: Uncertain significance for Neurodevelopmental disorder with coarse facies and mild distal skeletal abnormalities. Last evaluated: 2026-08-06. Review status: criteria provided, single submitter. Criteria: ACMG Guidelines 2015 PMID 25741868. Collection method: clinical testing. Allele origin: germline. Inheritance: Autosomal dominant inheritance.
Comment: This missense variant, located in exon 11 (of 24), has been observed in gnomAD with an allele frequency of 0.000806%, but has not been reported in ClinVar or identified in the literature. In silico analysis predicts that this variant has a tolerated effect. According to the currently available evidence, this variant has been classified as uncertain significance (PM2_P, BP4_M).

NM_001348716.2(KDM6B):c.1172C>T (p.Pro391Leu)

Gene: KDM6B (lysine demethylase 6B; plus strand). Cytogenetic location: 17p13.1.
Variant type: single nucleotide variant.
Coding change: c.1172C>T on transcript NM_001348716.2 (MANE Select); coding-DNA position 1172, C replaced by T.
Protein change: p.Pro391Leu; replaces proline 391 with leucine.
Molecular consequence: missense variant.
Genome position (GRCh38, 1-based): chr17:7,847,367, C>T. VCF-style: chr17-7847367-C-T. GRCh37 (hg19) VCF-style: chr17-7750685-C-T.
Other names: c.1172C>T, p.Pro391Leu (NM_001080424.2); short protein forms P391L.
Identifiers: ClinVar variation 5003172 (VCV005003172.1).